The following is an entry in ClinVar:

NM_004385.5(VCAN):c.7836T>A (p.Ser2612Arg)

Genes: VCAN (versican; plus strand), VCAN-AS1 (VCAN antisense RNA 1; minus strand). Cytogenetic location: 5q14.3.
Variant type: single nucleotide variant.
Coding change: c.7836T>A on transcript NM_004385.5 (MANE Select); coding-DNA position 7836, T replaced by A.
Protein change: p.Ser2612Arg; replaces serine 2612 with arginine.
Molecular consequence: missense variant. On other transcripts: intron variant (2).
Genome position (GRCh38, 1-based): chr5:83,540,839, T>A. VCF-style: chr5-83540839-T-A. GRCh37 (hg19) VCF-style: chr5-82836658-T-A.
Other names: c.4875T>A, p.Ser1625Arg (NM_001164097.2); c.4004-4698T>A (NM_001164098.2); c.1043-4698T>A (NM_001126336.3); short protein forms S1625R, S2612R.
Identifiers: ClinVar variation 1497002 (VCV001497002.6), dbSNP rs2112448156, ClinGen allele CA360315620.

ClinVar aggregate classification (germline): Uncertain significance (1 of 4 stars; one submission).

Submission:

Labcorp Genetics (formerly Invitae), Labcorp
Classification: Uncertain significance. Last evaluated: 2021-08-29. Review status: criteria provided, single submitter. Criteria: Invitae Variant Classification Sherloc (09022015). Collection method: clinical testing. Allele origin: germline.
Comment: This sequence change replaces serine with arginine at codon 2612 of the VCAN protein (p.Ser2612Arg). The serine residue is weakly conserved and there is a moderate physicochemical difference between serine and arginine. This variant is not present in population databases (ExAC no frequency). This variant has not been reported in the literature in individuals affected with VCAN-related conditions. Algorithms developed to predict the effect of missense changes on protein structure and function are either unavailable or do not agree on the potential impact of this missense change (SIFT: "Deleterious"; PolyPhen-2: "Benign"; Align-GVGD: "Class C0"). In summary, the available evidence is currently insufficient to determine the role of this variant in disease. Therefore, it has been classified as a Variant of Uncertain Significance.